The following is an entry in ClinVar:

ClinVar aggregate classification (germline): Uncertain significance. Review status: criteria provided, multiple submitters, no conflicts (2 of 4 stars). 2 submissions from 2 submitters: Uncertain significance (2). Last evaluated 2025-03-17.

Allele frequency attached by ClinVar (database versions not stated): TOPMed 0.00009.
gnomAD v4.1: 32 of 1,613,928 alleles (0.002%); highest among the groups gnomAD compares: Admixed American, 0.048%; no homozygotes.

Submissions (2):

Labcorp Genetics (formerly Invitae), Labcorp
Classification: Uncertain significance. Last evaluated: 2025-03-17. Review status: criteria provided, single submitter. Criteria: Invitae Variant Classification Sherloc (09022015). Collection method: clinical testing. Allele origin: germline.
Comment: This sequence change replaces arginine, which is basic and polar, with proline, which is neutral and non-polar, at codon 568 of the ADGRA3 protein (p.Arg568Pro). This variant is present in population databases (rs148867805, gnomAD 0.09%), and has an allele count higher than expected for a pathogenic variant. This variant has not been reported in the literature in individuals affected with ADGRA3-related conditions. ClinVar contains an entry for this variant (Variation ID: 847314). An algorithm developed to predict the effect of missense changes on protein structure and function (PolyPhen-2) suggests that this variant is likely to be tolerated. In summary, the available evidence is currently insufficient to determine the role of this variant in disease. Therefore, it has been classified as a Variant of Uncertain Significance.

Ambry Genetics
Classification: Uncertain significance. Last evaluated: 2024-08-02. Review status: criteria provided, single submitter. Criteria: Ambry Variant Classification Scheme 2023. Collection method: clinical testing. Allele origin: germline.

NM_145290.4(ADGRA3):c.1703G>C (p.Arg568Pro)

Gene: ADGRA3 (adhesion G protein-coupled receptor A3; minus strand). Cytogenetic location: 4p15.2.
Variant type: single nucleotide variant.
Coding change: c.1703G>C on transcript NM_145290.4 (MANE Select); coding-DNA position 1703, G replaced by C.
Protein change: p.Arg568Pro; replaces arginine 568 with proline.
Molecular consequence: missense variant.
Genome position (GRCh38, 1-based): chr4:22,420,992, C>G on the plus strand (G>C on the coding strand, the complement: ADGRA3 is on the minus strand). VCF-style: chr4-22420992-C-G. GRCh37 (hg19) VCF-style: chr4-22422615-C-G.
Other names: c.1703G>C (NM_145290.2); short protein forms R568P.
Identifiers: ClinVar variation 847314 (VCV000847314.8), dbSNP rs148867805, ClinGen allele CA2873866.